The following is an entry in ClinVar:

ClinVar aggregate classification (germline): Likely benign. Review status: criteria provided, single submitter (1 of 4 stars). 2 submissions from 2 submitters: Likely benign (1). 1 of the submissions does not count toward it. Last evaluated 2024-03-13.

Conditions:
TG-related disorder. Also called: TG-related disorders; TG-related condition.

Allele frequency attached by ClinVar (database versions not stated): gnomAD 0.00007; TOPMed 0.00008; ExAC 0.00018; gnomAD exomes 0.00021; ESP Exome Variant Server 0.00031.
gnomAD v4.1: 327 of 1,613,898 alleles (0.02%); highest among the groups gnomAD compares: Non-Finnish European, 0.025%; no homozygotes.

Submissions (2):

Labcorp Genetics (formerly Invitae), Labcorp
Classification: Likely benign. Last evaluated: 2024-03-13. Review status: criteria provided, single submitter. Criteria: Invitae Variant Classification Sherloc (09022015). Collection method: clinical testing. Allele origin: germline.

PreventionGenetics, part of Exact Sciences
Classification: Likely benign for TG-related condition. Last evaluated: 2019-04-24. Review status: no assertion criteria provided. Collection method: clinical testing. Allele origin: germline. Not counted in ClinVar's aggregate classification.
Comment: This variant is classified as likely benign based on ACMG/AMP sequence variant interpretation guidelines (Richards et al. 2015 PMID: 25741868, with internal and published modifications).

NM_003235.5(TG):c.5751C>T (p.Phe1917=)

Gene: TG (thyroglobulin; plus strand). Cytogenetic location: 8q24.22.
Variant type: single nucleotide variant.
Coding change: c.5751C>T on transcript NM_003235.5 (MANE Select); coding-DNA position 5751, C replaced by T.
Protein change: p.Phe1917=; no amino-acid change (phenylalanine 1917 retained).
Molecular consequence: synonymous variant.
Genome position (GRCh38, 1-based): chr8:132,967,858, C>T. VCF-style: chr8-132967858-C-T. GRCh37 (hg19) VCF-style: chr8-133980103-C-T.
Other names: c.5751C>T (NM_003235.4).
Identifiers: ClinVar variation 2721691 (VCV002721691.5), dbSNP rs200470112, ClinGen allele CA4884614.